The following is an entry in ClinVar:

NM_001128840.3(CACNA1D):c.6088G>A (p.Asp2030Asn)

Gene: CACNA1D (calcium voltage-gated channel subunit alpha1 D; plus strand). Cytogenetic location: 3p21.1.
Variant type: single nucleotide variant.
Coding change: c.6088G>A on transcript NM_001128840.3 (MANE Select); coding-DNA position 6088, G replaced by A.
Protein change: p.Asp2030Asn; replaces aspartic acid 2030 with asparagine.
Molecular consequence: missense variant.
Genome position (GRCh38, 1-based): chr3:53,810,194, G>A. VCF-style: chr3-53810194-G-A. GRCh37 (hg19) VCF-style: chr3-53844221-G-A.
Other names: c.6148G>A, p.Asp2050Asn (NM_000720.4); c.6016G>A, p.Asp2006Asn (NM_001128839.3); short protein forms D2030N, D2050N, D2006N.
Identifiers: ClinVar variation 1437363 (VCV001437363.8), dbSNP rs770332315, ClinGen allele CA2455362.

ClinVar aggregate classification (germline): Uncertain significance (1 of 4 stars; one submission).

Allele frequency attached by ClinVar (database versions not stated): gnomAD 0.00001; ExAC 0.00002; gnomAD exomes 0.00002.
gnomAD v4.1: 9 of 1,613,856 alleles (0.00056%); highest among the groups gnomAD compares: East Asian, 0.0045%; no homozygotes.

Submission:

Labcorp Genetics (formerly Invitae), Labcorp
Classification: Uncertain significance. Last evaluated: 2025-07-06. Review status: criteria provided, single submitter. Criteria: Invitae Variant Classification Sherloc (09022015). Collection method: clinical testing. Allele origin: germline.
Comment: This sequence change replaces aspartic acid, which is acidic and polar, with asparagine, which is neutral and polar, at codon 2050 of the CACNA1D protein (p.Asp2050Asn). This variant is present in population databases (rs770332315, gnomAD 0.01%). This variant has not been reported in the literature in individuals affected with CACNA1D-related conditions. ClinVar contains an entry for this variant (Variation ID: 1437363). An algorithm developed to predict the effect of missense changes on protein structure and function (PolyPhen-2) suggests that this variant is likely to be tolerated. In summary, the available evidence is currently insufficient to determine the role of this variant in disease. Therefore, it has been classified as a Variant of Uncertain Significance.